The following is an entry in ClinVar:

ClinVar aggregate classification (germline): Uncertain significance (1 of 4 stars; one submission).

Allele frequency attached by ClinVar (database versions not stated): TOPMed 0.00001.
gnomAD v4.1: 4 of 1,614,080 alleles (0.00025%); no homozygotes.

Submission:

Ambry Genetics
Classification: Uncertain significance. Last evaluated: 2024-02-02. Review status: criteria provided, single submitter. Criteria: Ambry Variant Classification Scheme 2023. Collection method: clinical testing. Allele origin: germline.
Comment: The p.Q347H variant (also known as c.1041A>C), located in coding exon 11 of the KIF1B gene, results from an A to C substitution at nucleotide position 1041. The glutamine at codon 347 is replaced by histidine, an amino acid with highly similar properties. This amino acid position is conserved. In addition, this alteration is predicted to be tolerated by in silico analysis. Since supporting evidence is limited at this time, the clinical significance of this alteration remains unclear.

NM_001365951.3(KIF1B):c.1059A>C (p.Gln353His)

Gene: KIF1B (kinesin family member 1B; plus strand). Cytogenetic location: 1p36.22.
Variant type: single nucleotide variant.
Coding change: c.1059A>C on transcript NM_001365951.3 (MANE Select); coding-DNA position 1059, A replaced by C.
Protein change: p.Gln353His; replaces glutamine 353 with histidine.
Molecular consequence: missense variant.
Genome position (GRCh38, 1-based): chr1:10,278,007, A>C. VCF-style: chr1-10278007-A-C. GRCh37 (hg19) VCF-style: chr1-10338065-A-C.
Other names: c.1059A>C, p.Gln353His (NM_001365952.1); c.1041A>C, p.Gln347His (NM_001365953.1, NM_015074.3, NM_183416.4); short protein forms Q347H, Q353H.
Identifiers: ClinVar variation 1774123 (VCV001774123.2), dbSNP rs889011445, ClinGen allele CA338333953.